The following is an entry in ClinVar:

NM_004527.4(MEOX1):c.311G>A (p.Arg104Lys)

Gene: MEOX1 (mesenchyme homeobox 1; minus strand). Cytogenetic location: 17q21.31.
Variant type: single nucleotide variant.
Coding change: c.311G>A on transcript NM_004527.4 (MANE Select); coding-DNA position 311, G replaced by A.
Protein change: p.Arg104Lys; replaces arginine 104 with lysine.
Molecular consequence: missense variant. On other transcripts: 5 prime UTR variant (1).
Genome position (GRCh38, 1-based): chr17:43,661,224, C>T on the plus strand (G>A on the coding strand, the complement: MEOX1 is on the minus strand). VCF-style: chr17-43661224-C-T. GRCh37 (hg19) VCF-style: chr17-41738592-C-T.
Other names: c.-35G>A (NM_001040002.2); c.311G>A, p.Arg104Lys (NM_013999.4); short protein forms R104K.
Identifiers: ClinVar variation 1945685 (VCV001945685.5), dbSNP rs2544313927, ClinGen allele CA399904506.
Genomic context (GRCh38, chr17:43,661,224, plus strand): 5'-ACCAGGCCCAGGCTGCTGGTCCCCATTTCCTTGGAACCCCCTGCCGGGCCTGAGTTGGGC[C>T]TGCGCCGGGCGTCTGAGACAGGGAAGTGCCAGTTGGGGGACTGTGGGAAAGCGGGGTGCT-3'
Protein context (NP_004518.1, residues 94-114): WHFPVSDARR[Arg104Lys]PNSGPAGGSK

ClinVar aggregate classification (germline): Uncertain significance (1 of 4 stars; one submission).

gnomAD v4.1: 2 of 1,609,402 alleles (0.00012%); highest among the groups gnomAD compares: South Asian, 0.0011%; no homozygotes.

Submission:

Labcorp Genetics (formerly Invitae), Labcorp
Classification: Uncertain significance. Last evaluated: 2022-01-16. Review status: criteria provided, single submitter. Criteria: Invitae Variant Classification Sherloc (09022015). Collection method: clinical testing. Allele origin: germline.
Comment: Algorithms developed to predict the effect of missense changes on protein structure and function (SIFT, PolyPhen-2, Align-GVGD) all suggest that this variant is likely to be tolerated. This variant has not been reported in the literature in individuals affected with MEOX1-related conditions. This variant is not present in population databases (gnomAD no frequency). This sequence change replaces arginine, which is basic and polar, with lysine, which is basic and polar, at codon 104 of the MEOX1 protein (p.Arg104Lys). In summary, the available evidence is currently insufficient to determine the role of this variant in disease. Therefore, it has been classified as a Variant of Uncertain Significance.